The following is an entry in ClinVar:

NM_001374623.1(PNPLA1):c.704C>T (p.Pro235Leu)

Gene: PNPLA1 (patatin like domain 1, omega-hydroxyceramide transacylase; plus strand). Cytogenetic location: 6p21.31.
Variant type: single nucleotide variant.
Coding change: c.704C>T on transcript NM_001374623.1 (MANE Select); coding-DNA position 704, C replaced by T.
Protein change: p.Pro235Leu; replaces proline 235 with leucine.
Molecular consequence: missense variant.
Genome position (GRCh38, 1-based): chr6:36,294,389, C>T. VCF-style: chr6-36294389-C-T. GRCh37 (hg19) VCF-style: chr6-36262166-C-T.
Other names: c.704C>T, p.Pro235Leu (NM_001145717.1); c.446C>T, p.Pro149Leu (NM_001145716.2); c.419C>T, p.Pro140Leu (NM_173676.2); short protein forms P140L, P149L, P235L.
Identifiers: ClinVar variation 684644 (VCV000684644.38), dbSNP rs376245108, ClinGen allele CA3777803.

ClinVar aggregate classification (germline): Conflicting classifications of pathogenicity. Review status: criteria provided, conflicting classifications (1 of 4 stars). 5 submissions from 5 submitters: Pathogenic (1); Uncertain significance (1). 3 of the submissions do not count toward it. Last evaluated 2023-12-28.

Conditions:
Congenital ichthyosiform erythroderma. Identifiers: MedGen C0079583, HP:0007431.

Allele frequency attached by ClinVar (database versions not stated): gnomAD 0.00001; TOPMed 0.00001.
gnomAD v4.1: 9 of 1,613,834 alleles (0.00056%); highest among the groups gnomAD compares: East Asian, 0.0045%; no homozygotes.

Submissions (5):

Labcorp Genetics (formerly Invitae), Labcorp
Classification: Pathogenic. Last evaluated: 2023-12-28. Review status: criteria provided, single submitter. Criteria: Invitae Variant Classification Sherloc (09022015). Collection method: clinical testing. Allele origin: germline.
Comment: This sequence change replaces proline, which is neutral and non-polar, with leucine, which is neutral and non-polar, at codon 235 of the PNPLA1 protein (p.Pro235Leu). This variant is present in population databases (rs376245108, gnomAD 0.006%). This missense change has been observed in individual(s) with clinical features of autosomal recessive congenital ichthyosis (PMID: 28403545, 33786896; Invitae). ClinVar contains an entry for this variant (Variation ID: 684644). An algorithm developed to predict the effect of missense changes on protein structure and function (PolyPhen-2) suggests that this variant is likely to be disruptive. Experimental studies have shown that this missense change affects PNPLA1 function (PMID: 35970721). For these reasons, this variant has been classified as Pathogenic.

CeGaT Center for Human Genetics Tuebingen
Classification: Uncertain significance. Last evaluated: 2022-04-01. Review status: criteria provided, single submitter. Criteria: CeGaT Center For Human Genetics Tuebingen Variant Classification Criteria Version 2. Collection method: clinical testing. Allele origin: germline. Affected: yes. Observed: 1 variant allele.
Comment: PNPLA1: PM2, PM3, PP4

Yale Center for Mendelian Genomics, Yale University
Classification: Pathogenic for Congenital ichthyosis. Last evaluated: 2017-06-07. Review status: no assertion criteria provided. Collection method: literature only. Allele origin: de novo. Affected: yes. Observed: 1 homozygote. Not counted in ClinVar's aggregate classification.

Genome Diagnostics Laboratory, Amsterdam University Medical Center
Classification: Likely pathogenic. Review status: no assertion criteria provided. Collection method: clinical testing. Allele origin: germline. Affected: yes. Study: VKGL Data-share Consensus. Not counted in ClinVar's aggregate classification.

Joint Genome Diagnostic Labs from Nijmegen and Maastricht, Radboudumc and MUMC+
Classification: Likely pathogenic. Review status: no assertion criteria provided. Collection method: clinical testing. Allele origin: germline. Affected: yes. Study: VKGL Data-share Consensus. Not counted in ClinVar's aggregate classification.

Literature cited by the submitters: PubMed 28403545 (cited by Labcorp Genetics (formerly Invitae), Labcorp and Yale Center for Mendelian Genomics, Yale University); PubMed 33786896 (cited by Labcorp Genetics (formerly Invitae), Labcorp); PubMed 35970721 (cited by Labcorp Genetics (formerly Invitae), Labcorp).